The following is an entry in ClinVar:

ClinVar aggregate classification (germline): Uncertain significance (1 of 4 stars; one submission).

Conditions:
Brody myopathy. Also called: BRODY DISEASE. Identifiers: Orphanet 53347, MedGen C1832918, MONDO:0010977, OMIM 601003.

Allele frequency attached by ClinVar (database versions not stated): gnomAD exomes below 0.00001; TOPMed below 0.00001.
gnomAD v4.1: 2 of 1,614,240 alleles (0.00012%); highest among the groups gnomAD compares: Non-Finnish European, 0.00017%; no homozygotes.

Submission:

Labcorp Genetics (formerly Invitae), Labcorp
Classification: Uncertain significance for Brody myopathy. Last evaluated: 2022-03-09. Review status: criteria provided, single submitter. Criteria: Invitae Variant Classification Sherloc (09022015). Collection method: clinical testing. Allele origin: germline.
Comment: This sequence change replaces isoleucine, which is neutral and non-polar, with valine, which is neutral and non-polar, at codon 716 of the ATP2A1 protein (p.Ile716Val). This variant is not present in population databases (gnomAD no frequency). This variant has not been reported in the literature in individuals affected with ATP2A1-related conditions. ClinVar contains an entry for this variant (Variation ID: 1007152). Algorithms developed to predict the effect of missense changes on protein structure and function are either unavailable or do not agree on the potential impact of this missense change (SIFT: "Deleterious"; PolyPhen-2: "Probably Damaging"; Align-GVGD: "Class C0"). Algorithms developed to predict the effect of sequence changes on RNA splicing suggest that this variant may create or strengthen a splice site. In summary, the available evidence is currently insufficient to determine the role of this variant in disease. Therefore, it has been classified as a Variant of Uncertain Significance.

NM_004320.6(ATP2A1):c.2146A>G (p.Ile716Val)

Gene: ATP2A1 (ATPase sarcoplasmic/endoplasmic reticulum Ca2+ transporting 1; plus strand). Cytogenetic location: 16p11.2.
Variant type: single nucleotide variant.
Coding change: c.2146A>G on transcript NM_004320.6 (MANE Select); coding-DNA position 2146, A replaced by G.
Protein change: p.Ile716Val; replaces isoleucine 716 with valine.
Molecular consequence: missense variant.
Genome position (GRCh38, 1-based): chr16:28,901,908, A>G. VCF-style: chr16-28901908-A-G. GRCh37 (hg19) VCF-style: chr16-28913229-A-G.
Other names: c.1771A>G, p.Ile591Val (NM_001286075.2); c.2146A>G, p.Ile716Val (NM_173201.5); short protein forms I591V, I716V.
Identifiers: ClinVar variation 1007152 (VCV001007152.8), dbSNP rs1429177035, ClinGen allele CA395412610.